The following is an entry in ClinVar:

NM_002282.3(KRT83):c.633C>T (p.Asn211=)

Gene: KRT83 (keratin 83; minus strand). Cytogenetic location: 12q13.13.
Variant type: single nucleotide variant.
Coding change: c.633C>T on transcript NM_002282.3 (MANE Select); coding-DNA position 633, C replaced by T.
Protein change: p.Asn211=; no amino-acid change (asparagine 211 retained).
Molecular consequence: synonymous variant.
Genome position (GRCh38, 1-based): chr12:52,317,931, G>A on the plus strand (C>T on the coding strand, the complement: KRT83 is on the minus strand). VCF-style: chr12-52317931-G-A. GRCh37 (hg19) VCF-style: chr12-52711715-G-A.
Identifiers: ClinVar variation 309527 (VCV000309527.9), dbSNP rs140012906, ClinGen allele CA6577601.

ClinVar aggregate classification (germline): Benign. Review status: criteria provided, multiple submitters, no conflicts (2 of 4 stars). 2 submissions from 2 submitters: Benign (2). Last evaluated 2025-10-06.

Conditions:
Monilethrix. Also called: Beaded hair. Identifiers: Orphanet 573, MedGen C0546966, MONDO:0008009, HP:0032470.

Allele frequency attached by ClinVar (database versions not stated): gnomAD 0.00026 and 0.00064; TOPMed 0.00032; ESP Exome Variant Server 0.00046; ExAC 0.00203; 1000 Genomes Project 30x 0.00297; 1000 Genomes Project 0.00300.
gnomAD v4.1: 1,614 of 1,614,106 alleles (0.1%); highest among the groups gnomAD compares: South Asian, 1.2%; 19 homozygotes.

Submissions (2):

Labcorp Genetics (formerly Invitae), Labcorp
Classification: Benign. Last evaluated: 2025-10-06. Review status: criteria provided, single submitter. Criteria: Invitae Variant Classification Sherloc (09022015). Collection method: clinical testing. Allele origin: germline.

Illumina Laboratory Services, Illumina
Classification: Benign for Monilethrix-1. Last evaluated: 2018-01-12. Review status: criteria provided, single submitter. Criteria: ICSL Variant Classification Criteria 13 December 2019. Collection method: clinical testing. Allele origin: germline.
Comment: This variant was observed in the ICSL laboratory as part of a predisposition screen in an ostensibly healthy population. It had not been previously curated by ICSL or reported in the Human Gene Mutation Database (HGMD: prior to June 1st, 2018), and was therefore a candidate for classification through an automated scoring system. Utilizing variant allele frequency, disease prevalence and penetrance estimates, and inheritance mode, an automated score was calculated to assess if this variant is too frequent to cause the disease. Based on the score and internal cut-off values, a variant classified as benign is not then subjected to further curation. The score for this variant resulted in a classification of benign for this disease.